The following is an entry in ClinVar:

ClinVar aggregate classification (germline): Likely pathogenic (1 of 4 stars; one submission).

Submission:

GeneDx
Classification: Likely pathogenic. Last evaluated: 2022-06-20. Review status: criteria provided, single submitter. Criteria: GeneDx Variant Classification Process June 2021. Collection method: clinical testing. Allele origin: germline. Affected: yes.
Comment: Not observed in large population cohorts (gnomAD); The majority of missense variants in this gene are considered pathogenic (HGMD); In silico analysis, which includes protein predictors and evolutionary conservation, supports a deleterious effect; Has not been previously published as pathogenic or benign to our knowledge; This substitution is predicted to be within the C-terminal cytoplasmic domain

NM_001165963.4(SCN1A):c.5495C>A (p.Ala1832Glu)

Genes: SCN1A (sodium voltage-gated channel alpha subunit 1; minus strand), LOC102724058 (uncharacterized LOC102724058; plus strand). Cytogenetic location: 2q24.3.
Variant type: single nucleotide variant.
Coding change: c.5495C>A on transcript NM_001165963.4 (MANE Select); coding-DNA position 5495, C replaced by A.
Protein change: p.Ala1832Glu; replaces alanine 1832 with glutamic acid.
Molecular consequence: missense variant. On other transcripts: non-coding transcript variant (1).
Genome position (GRCh38, 1-based): chr2:165,991,780, G>T on the plus strand (C>A on the coding strand, the complement: SCN1A is on the minus strand). VCF-style: chr2-165991780-G-T. GRCh37 (hg19) VCF-style: chr2-166848290-G-T.
Other names: c.5411C>A, p.Ala1804Glu (NM_001165964.3, NM_001353957.2, NM_001353958.2); c.5495C>A, p.Ala1832Glu (NM_001202435.3, NM_001353948.2); c.5462C>A, p.Ala1821Glu (NM_001353949.2, NM_001353950.2, NM_001353951.2 and 2 more transcripts); c.5459C>A, p.Ala1820Glu (NM_001353954.2, NM_001353955.2); c.5408C>A, p.Ala1803Glu (NM_001353960.2); c.3053C>A, p.Ala1018Glu (NM_001353961.2); short protein forms A1018E, A1803E, A1804E, A1820E, A1821E, A1832E.
Identifiers: ClinVar variation 1188748 (VCV001188748.4), dbSNP rs2105427061, ClinGen allele CA349065755.